The following is an entry in ClinVar:

NM_006231.4(POLE):c.6782_6783insA (p.Ala2262fs)

Gene: POLE (DNA polymerase epsilon, catalytic subunit; minus strand). Cytogenetic location: 12q24.33.
Variant type: Insertion.
Coding change: c.6782_6783insA on transcript NM_006231.4 (MANE Select); coding-DNA positions 6782 to 6783, A inserted.
Protein change: p.Ala2262fs; shifts the reading frame from alanine 2262.
Molecular consequence: frameshift variant.
Genome position: GRCh38 VCF-style: chr12-132624775-A-AT. GRCh37 (hg19) VCF-style: chr12-133201361-A-AT.
Other names: c.6782_6783insA (NM_006231.2); short protein forms A2262fs.
Identifiers: ClinVar variation 3721349 (VCV003721349.3).

ClinVar aggregate classification (germline): Uncertain significance. Review status: criteria provided, multiple submitters, no conflicts (2 of 4 stars). 2 submissions from 2 submitters: Uncertain significance (2). Last evaluated 2026-07-06.

Conditions:
Hereditary cancer-predisposing syndrome. Also called: Tumor predisposition; Hereditary neoplastic syndrome; Hereditary Cancer Syndrome; Neoplastic Syndromes, Hereditary. Identifiers: Orphanet 140162, MedGen C0027672, MeSH D009386, MONDO:0015356.

Submissions (2):

Ambry Genetics
Classification: Uncertain significance for Hereditary cancer-predisposing syndrome. Last evaluated: 2026-07-06. Review status: criteria provided, single submitter. Criteria: Ambry Variant Classification Scheme 2023. Collection method: clinical testing. Allele origin: germline.
Comment: The c.6782_6783insA variant, located in coding exon 49 of the POLE gene, results from an insertion of one nucleotide at position 6782, causing a translational frameshift with a predicted alternate stop codon (p.A2262Cfs*42). This variant occurs at the 3' terminus of the gene, is not expected to trigger nonsense-mediated mRNAdecay and results in the elongation of the protein by 16 amino acids. This frameshift impacts the last 26amino acids of the native protein. The exact functional effect of the altered amino acids is unknown. Based on the available evidence, the clinical significance of this variant remains unclear.

Labcorp Genetics (formerly Invitae), Labcorp
Classification: Uncertain significance. Last evaluated: 2024-09-23. Review status: criteria provided, single submitter. Criteria: Invitae Variant Classification Sherloc (09022015). Collection method: clinical testing. Allele origin: germline.
Comment: This sequence change results in a frameshift in the POLE gene (p.Ala2262Cysfs*42). While this is not anticipated to result in nonsense mediated decay, it is expected to disrupt the last 25 amino acid(s) of the POLE protein and extend the protein by 16 additional amino acid residues. This variant is not present in population databases (gnomAD no frequency). This variant has not been reported in the literature in individuals affected with POLE-related conditions. Experimental studies and prediction algorithms are not available or were not evaluated, and the functional significance of this variant is currently unknown. In summary, the available evidence is currently insufficient to determine the role of this variant in disease. Therefore, it has been classified as a Variant of Uncertain Significance.